The following is an entry in ClinVar:

NM_000277.3(PAH):c.914_1199+1del

Gene: PAH (phenylalanine hydroxylase; minus strand). Cytogenetic location: 12q23.2.
Variant type: Deletion.
Coding change: c.914_1199+1del on transcript NM_000277.3 (MANE Select); coding-DNA position 914 through the canonical splice donor site of the intron after coding-DNA position 1199, 3,306 bases deleted.
Molecular consequence: splice acceptor variant, splice donor variant.
Genome position (GRCh38, 1-based): chr12:102,843,645-102,846,950, 3,306 bases deleted. GRCh37 (hg19): chr12:103,237,426-103,240,731.
Other names: NM_001354304.2:c.914_1199+1del; c.914_1199+1del (NM_001354304.2).
Identifiers: ClinVar variation 1327563 (VCV001327563.1), ClinGen allele CA251545.

ClinVar aggregate classification (germline): Likely pathogenic (3 of 4 stars; one submission).

Conditions:
Phenylketonuria (PKU). Also called: Phenylketonuria (PKU); FOLLING DISEASE; OLIGOPHRENIA PHENYLPYRUVICA; Phenylketonurias. Identifiers: Orphanet 716, MedGen C0031485, MONDO:0009861, OMIM 261600. Disease mechanism: loss of function.

Submission:

ClinGen PAH Variant Curation Expert Panel
Classification: Likely pathogenic for Phenylketonuria. Last evaluated: 2021-07-25. Review status: reviewed by expert panel. Criteria: ClinGen PAH ACMG Specifications v1. Collection method: curation. Allele origin: germline. Inheritance: Autosomal recessive inheritance.
Comment: The g.~6.7kbdel (p.Ex9_11del; c.914_1199+1del; CA251545) in PAH is a large deletion involving exons 9, 10, and 11. The deletion removed exons 9-11 but spared exon 12 in long-range PCR (see PMID: 10472529). This region is critical to protein function, as exons 9 and 10 form part of the PAH catalytic domain, and include key amino acid residues. Therefore, this is a multi-exon deletion that disrupts the reading frame and is NOT predicted to undergo NMD, which truncates/alters a critical region for protein function. Thus, PVS1_Strong is applied. It is absent from ethnically diverse control databases, including gnomAD/ExAC, 1000 Genomes, and ESP (PM2). It has been previously reported in one case with mild PKU (per abnormal blood Phe levels; BH4 deficiency does not appear to have been formally excluded) (PP4), in confirmed trans with the p.E390G variant (Likely Pathogenic per PAH VCEP) (PMID: 10472529) (PM3). Classification: Likely Pathogenic Supporting Criteria: PVS1_Strong; PM2; PM3; PP4